The following is an entry in ClinVar:

ClinVar aggregate classification (germline): Uncertain significance. Review status: criteria provided, multiple submitters, no conflicts (2 of 4 stars). 2 submissions from 2 submitters: Uncertain significance (2). Last evaluated 2026-07-01.

Conditions:
Birt-Hogg-Dube syndrome. Also called: Birt Hogg Dubé syndrome. Identifiers: Orphanet 122, MedGen C0346010, MONDO:0800444.
Hereditary cancer-predisposing syndrome. Also called: Hereditary Cancer Syndrome; Hereditary neoplastic syndrome; Neoplastic Syndromes, Hereditary; Tumor predisposition. Identifiers: Orphanet 140162, MedGen C0027672, MeSH D009386, MONDO:0015356.

Submissions (2):

Ambry Genetics
Classification: Uncertain significance for Hereditary cancer-predisposing syndrome. Last evaluated: 2026-07-01. Review status: criteria provided, single submitter. Criteria: Ambry Variant Classification Scheme 2023. Collection method: clinical testing. Allele origin: germline.
Comment: The p.P326Q variant (also known as c.977C>A), located in coding exon 6 of the FLCN gene, results from a C to A substitution at nucleotide position 977. The proline at codon 326 is replaced by glutamine, an amino acid with similar properties. This amino acid position is conserved. In addition, this alteration is predicted to be tolerated by in silico analysis. Based on the available evidence, the clinical significance of this variant remains unclear.

Labcorp Genetics (formerly Invitae), Labcorp
Classification: Uncertain significance for Birt-Hogg-Dube syndrome. Last evaluated: 2023-04-28. Review status: criteria provided, single submitter. Criteria: Invitae Variant Classification Sherloc (09022015). Collection method: clinical testing. Allele origin: germline.
Comment: This sequence change replaces proline, which is neutral and non-polar, with glutamine, which is neutral and polar, at codon 326 of the FLCN protein (p.Pro326Gln). This variant is not present in population databases (gnomAD no frequency). This variant has not been reported in the literature in individuals affected with FLCN-related conditions. An algorithm developed to predict the effect of missense changes on protein structure and function (PolyPhen-2) suggests that this variant is likely to be tolerated. In summary, the available evidence is currently insufficient to determine the role of this variant in disease. Therefore, it has been classified as a Variant of Uncertain Significance.

NM_144997.7(FLCN):c.977C>A (p.Pro326Gln)

Gene: FLCN (folliculin; minus strand). Cytogenetic location: 17p11.2.
Variant type: single nucleotide variant.
Coding change: c.977C>A on transcript NM_144997.7 (MANE Select); coding-DNA position 977, C replaced by A.
Protein change: p.Pro326Gln; replaces proline 326 with glutamine.
Molecular consequence: missense variant.
Genome position (GRCh38, 1-based): chr17:17,219,104, G>T on the plus strand (C>A on the coding strand, the complement: FLCN is on the minus strand). VCF-style: chr17-17219104-G-T. GRCh37 (hg19) VCF-style: chr17-17122418-G-T.
Other names: c.1031C>A, p.Pro344Gln (NM_001353229.2); c.977C>A, p.Pro326Gln (NM_001353230.2, NM_001353231.2); short protein forms P344Q, P326Q.
Identifiers: ClinVar variation 2892204 (VCV002892204.4), dbSNP rs138031155, ClinGen allele CA398532886.